The following is an entry in ClinVar:

ClinVar aggregate classification (germline): Conflicting classifications of pathogenicity. Review status: criteria provided, conflicting classifications (1 of 4 stars). 2 submissions from 2 submitters: Uncertain significance (1); Likely benign (1). Last evaluated 2024-01-30.

Conditions:
Cardiovascular phenotype. Identifiers: MedGen CN230736.
Walker-Warburg congenital muscular dystrophy. Also called: Muscular dystrophy-dystroglycanopathy, type A; Walker-Warburg syndrome. Identifiers: Orphanet 899, MedGen C0265221, MONDO:0000171.

Allele frequency attached by ClinVar (database versions not stated): gnomAD exomes below 0.00001; TOPMed below 0.00001.
gnomAD v4.1: 1 of 1,609,638 alleles (0.000062%); highest among the groups gnomAD compares: Admixed American, 0.0017%; no homozygotes.

Submissions (2):

Ambry Genetics
Classification: Uncertain significance for Cardiovascular phenotype. Last evaluated: 2024-01-30. Review status: criteria provided, single submitter. Criteria: Ambry Variant Classification Scheme 2023. Collection method: clinical testing. Allele origin: germline.
Comment: The c.106-5C>A intronic variant results from a C to A substitution 5 nucleotides upstream from coding exon 2 in the FKTN gene. This nucleotide position is not well conserved in available vertebrate species. In silico splice site analysis predicts that this alteration will not have any significant effect on splicing. Based on the available evidence, the clinical significance of this alteration remains unclear.

Labcorp Genetics (formerly Invitae), Labcorp
Classification: Likely benign for Walker-Warburg congenital muscular dystrophy. Last evaluated: 2021-11-01. Review status: criteria provided, single submitter. Criteria: Invitae Variant Classification Sherloc (09022015). Collection method: clinical testing. Allele origin: germline.

NM_001079802.2(FKTN):c.106-5C>A

Gene: FKTN (fukutin; plus strand). Cytogenetic location: 9q31.2.
Variant type: single nucleotide variant.
Coding change: c.106-5C>A on transcript NM_001079802.2 (MANE Select); 5 bases into the intron before coding-DNA position 106, C replaced by A.
Molecular consequence: intron variant.
Genome position (GRCh38, 1-based): chr9:105,596,593, C>A. VCF-style: chr9-105596593-C-A. GRCh37 (hg19) VCF-style: chr9-108358874-C-A.
Other names: c.106-5C>A (NM_001079802.1, NM_006731.2, NM_001351496.2 and 2 more transcripts); c.-409-5C>A (NM_001351502.2, NM_001351499.2, NM_001351500.2 and 1 more transcripts); c.-62-5C>A (NM_001351497.2).
Identifiers: ClinVar variation 1614649 (VCV001614649.9), dbSNP rs1338220455, ClinGen allele CA589857821.
Genomic context (GRCh38, chr9:105,596,593, plus strand): 5'-ACTGAAATGTAATGTTGCATGCTGGACTTTGAATTTACTAAAAAGTTCTTTTGTTGTCTT[C>A]CTAGAATGGAGCTGGTTTGTCAAAATCCAAAGGAAGCCGAATTGGATTTGATAGCACACA-3'